The following is an entry in ClinVar:

ClinVar aggregate classification (germline): Uncertain significance (1 of 4 stars; one submission).

Conditions:
Intellectual developmental disorder with autism and macrocephaly. Also called: Autism, susceptibility to, 18; CHD8-Related Neurodevelopmental Disorder with Overgrowth. Identifiers: Orphanet 642675, MedGen C3554373, MONDO:0014017, OMIM 615032.

Submission:

MVZ Medizinische Genetik Mainz
Classification: Uncertain significance for Intellectual developmental disorder with autism and macrocephaly. Last evaluated: 2022-07-19. Review status: criteria provided, single submitter. Criteria: UK Practice Guidelines For Variant Classification V4 01 2020. Collection method: clinical testing. Allele origin: germline. Inheritance: Autosomal dominant inheritance. Affected: yes. Observed: 1 variant allele.
Comment: ACMG Criteria: PM2_SUP, PP3

NM_001170629.2(CHD8):c.5629C>T (p.Pro1877Ser)

Gene: CHD8 (chromodomain helicase DNA binding protein 8; minus strand). Cytogenetic location: 14q11.2.
Variant type: single nucleotide variant.
Coding change: c.5629C>T on transcript NM_001170629.2 (MANE Select); coding-DNA position 5629, C replaced by T.
Protein change: p.Pro1877Ser; replaces proline 1877 with serine.
Molecular consequence: missense variant.
Genome position (GRCh38, 1-based): chr14:21,394,166, G>A on the plus strand (C>T on the coding strand, the complement: CHD8 is on the minus strand). VCF-style: chr14-21394166-G-A. GRCh37 (hg19) VCF-style: chr14-21862325-G-A.
Other names: c.4792C>T, p.Pro1598Ser (NM_020920.4); short protein forms P1598S, P1877S.
Identifiers: ClinVar variation 3235227 (VCV003235227.1), dbSNP rs755813740.
Genomic context (GRCh38, chr14:21,394,166, plus strand): 5'-GTAAGCGCCGAAGCAATTCTATACGGTAGAGAGTCCGTGAGGCTCTCTCCTCAGTGATGG[G>A]CTCAATGAACAGGTTAGGGTCGGGGGGTTCTGCAAGAGACAGGAGTAGAAGAAATTAACA-3'
Protein context (NP_001164100.1, residues 1867-1887): EPPDPNLFIE[Pro1877Ser]ITEERASRTL